The following is an entry in ClinVar:

NM_032806.6(POMGNT2):c.1030A>G (p.Met344Val)

Gene: POMGNT2 (protein O-linked mannose N-acetylglucosaminyltransferase 2 (beta 1,4-); minus strand). Cytogenetic location: 3p22.1.
Variant type: single nucleotide variant.
Coding change: c.1030A>G on transcript NM_032806.6 (MANE Select); coding-DNA position 1030, A replaced by G.
Protein change: p.Met344Val; replaces methionine 344 with valine.
Molecular consequence: missense variant.
Genome position (GRCh38, 1-based): chr3:43,080,402, T>C on the plus strand (A>G on the coding strand, the complement: POMGNT2 is on the minus strand). VCF-style: chr3-43080402-T-C. GRCh37 (hg19) VCF-style: chr3-43121894-T-C.
Other names: c.1030A>G (NM_032806.4); short protein forms M344V.
Identifiers: ClinVar variation 1020814 (VCV001020814.3), dbSNP rs757138666, ClinGen allele CA2339946.

ClinVar aggregate classification (germline): Uncertain significance. Review status: criteria provided, multiple submitters, no conflicts (2 of 4 stars). 2 submissions from 2 submitters: Uncertain significance (2). Last evaluated 2025-05-25.

Conditions:
Muscular dystrophy-dystroglycanopathy (congenital with brain and eye anomalies), type a, 8 (MDDGA8). Also called: WALKER-WARBURG SYNDROME OR MUSCLE-EYE-BRAIN DISEASE, GTDC2-RELATED. Identifiers: Orphanet 899, MedGen C3553813, MONDO:0013904, OMIM 614830.
Inborn genetic diseases. Identifiers: MedGen C0950123, MeSH D030342.

Allele frequency attached by ClinVar (database versions not stated): gnomAD exomes 0.00001; gnomAD 0.00002; TOPMed 0.00001; ExAC 0.00002.
gnomAD v4.1: 11 of 1,614,010 alleles (0.00068%); highest among the groups gnomAD compares: Admixed American, 0.0017%; no homozygotes.

Submissions (2):

Ambry Genetics
Classification: Uncertain significance for Inborn genetic diseases. Last evaluated: 2025-05-25. Review status: criteria provided, single submitter. Criteria: Ambry Variant Classification Scheme 2023. Collection method: clinical testing. Allele origin: germline.

Labcorp Genetics (formerly Invitae), Labcorp
Classification: Uncertain significance for Muscular dystrophy-dystroglycanopathy (congenital with brain and eye anomalies), type a, 8. Last evaluated: 2022-09-20. Review status: criteria provided, single submitter. Criteria: Invitae Variant Classification Sherloc (09022015). Collection method: clinical testing. Allele origin: germline.
Comment: This sequence change replaces methionine, which is neutral and non-polar, with valine, which is neutral and non-polar, at codon 344 of the POMGNT2 protein (p.Met344Val). This variant is present in population databases (rs757138666, gnomAD 0.003%). This variant has not been reported in the literature in individuals affected with POMGNT2-related conditions. ClinVar contains an entry for this variant (Variation ID: 1020814). Advanced modeling of protein sequence and biophysical properties (such as structural, functional, and spatial information, amino acid conservation, physicochemical variation, residue mobility, and thermodynamic stability) performed at Invitae indicates that this missense variant is not expected to disrupt POMGNT2 protein function. In summary, the available evidence is currently insufficient to determine the role of this variant in disease. Therefore, it has been classified as a Variant of Uncertain Significance.